The following is an entry in ClinVar:

ClinVar aggregate classification (germline): Uncertain significance. Review status: criteria provided, multiple submitters, no conflicts (2 of 4 stars). 2 submissions from 2 submitters: Uncertain significance (2). Last evaluated 2026-01-05.

Allele frequency attached by ClinVar (database versions not stated): gnomAD 0.00001; TOPMed 0.00001; ExAC 0.00002.

Submissions (2):

Labcorp Genetics (formerly Invitae), Labcorp
Classification: Uncertain significance. Last evaluated: 2026-01-05. Review status: criteria provided, single submitter. Criteria: Invitae Variant Classification Sherloc (09022015). Collection method: clinical testing. Allele origin: germline.
Comment: This sequence change replaces arginine, which is basic and polar, with histidine, which is basic and polar, at codon 749 of the RNF31 protein (p.Arg749His). This variant is present in population databases (rs768136559, gnomAD 0.01%). This variant has not been reported in the literature in individuals affected with RNF31-related conditions. ClinVar contains an entry for this variant (Variation ID: 2480548). An algorithm developed to predict the effect of missense changes on protein structure and function (PolyPhen-2) suggests that this variant is likely to be disruptive. In summary, the available evidence is currently insufficient to determine the role of this variant in disease. Therefore, it has been classified as a Variant of Uncertain Significance.

Ambry Genetics
Classification: Uncertain significance. Last evaluated: 2023-02-01. Review status: criteria provided, single submitter. Criteria: Ambry Variant Classification Scheme 2023. Collection method: clinical testing. Allele origin: germline.

NM_017999.5(RNF31):c.2246G>A (p.Arg749His)

Gene: RNF31 (ring finger protein 31; plus strand). Cytogenetic location: 14q12.
Variant type: single nucleotide variant.
Coding change: c.2246G>A on transcript NM_017999.5 (MANE Select); coding-DNA position 2246, G replaced by A.
Protein change: p.Arg749His; replaces arginine 749 with histidine.
Molecular consequence: missense variant.
Genome position (GRCh38, 1-based): chr14:24,155,272, G>A. VCF-style: chr14-24155272-G-A. GRCh37 (hg19) VCF-style: chr14-24624481-G-A.
Other names: c.1793G>A, p.Arg598His (NM_001310332.2); short protein forms R598H, R749H.
Identifiers: ClinVar variation 2480548 (VCV002480548.3), dbSNP rs768136559, ClinGen allele CA7126006.
Genomic context (GRCh38, chr14:24,155,272, plus strand): 5'-ACTTCACCATCGCCTTGAAGGAGAAGCACATCACAGACATGGTGTGCCCTGCCTGTGGCC[G>A]CCCCGACCTCACCGATGACACACAGTTGCTCAGCTACTTCTCTACCCTTGACATCCAGGT-3'
Protein context (NP_060469.4, residues 739-759): ITDMVCPACG[Arg749His]PDLTDDTQLL